The following is an entry in ClinVar:

ClinVar aggregate classification (germline): Uncertain significance (1 of 4 stars; one submission).

Conditions:
Familial adenomatous polyposis 1 (FAP1). Also called: FAMILIAL ADENOMATOUS POLYPOSIS 1, ATTENUATED; POLYPOSIS, ADENOMATOUS INTESTINAL. Identifiers: MedGen C2713442, MONDO:0021056, OMIM 175100. Disease mechanism: loss of function.

Submission:

Labcorp Genetics (formerly Invitae), Labcorp
Classification: Uncertain significance for Familial adenomatous polyposis 1. Last evaluated: 2022-01-03. Review status: criteria provided, single submitter. Criteria: Invitae Variant Classification Sherloc (09022015). Collection method: clinical testing. Allele origin: germline.
Comment: In summary, the available evidence is currently insufficient to determine the role of this variant in disease. Therefore, it has been classified as a Variant of Uncertain Significance. Algorithms developed to predict the effect of missense changes on protein structure and function (SIFT, PolyPhen-2, Align-GVGD) all suggest that this variant is likely to be tolerated. This variant has not been reported in the literature in individuals affected with APC-related conditions. This variant is not present in population databases (gnomAD no frequency). This sequence change replaces glycine, which is neutral and non-polar, with alanine, which is neutral and non-polar, at codon 2383 of the APC protein (p.Gly2383Ala).

NM_000038.6(APC):c.7148G>C (p.Gly2383Ala)

Gene: APC (APC regulator of Wnt signaling pathway; plus strand). Cytogenetic location: 5q22.2.
Variant type: single nucleotide variant.
Coding change: c.7148G>C on transcript NM_000038.6 (MANE Select); coding-DNA position 7148, G replaced by C.
Protein change: p.Gly2383Ala; replaces glycine 2383 with alanine.
Molecular consequence: missense variant.
Genome position (GRCh38, 1-based): chr5:112,842,742, G>C. VCF-style: chr5-112842742-G-C. GRCh37 (hg19) VCF-style: chr5-112178439-G-C.
Other names: c.7148G>C, p.Gly2383Ala (NM_001127510.3, NM_001354895.2, NM_001407450.1); c.7094G>C, p.Gly2365Ala (NM_001127511.3); c.7202G>C, p.Gly2401Ala (NM_001354896.2, NM_001407447.1, NM_001407448.1 and 1 more transcripts); c.7178G>C, p.Gly2393Ala (NM_001354897.2); c.7073G>C, p.Gly2358Ala (NM_001354898.2); c.7064G>C, p.Gly2355Ala (NM_001354899.2); c.7025G>C, p.Gly2342Ala (NM_001354900.2); c.6971G>C, p.Gly2324Ala (NM_001354901.2, NM_001407453.1); and 11 more; short protein forms G2282A, G2292A, G2342A, G2373A, G2383A, G2100A, G2223A, G2254A.
Identifiers: ClinVar variation 2073057 (VCV002073057.4), dbSNP rs754320004, ClinGen allele CA16036899.